The following is an entry in ClinVar:

ClinVar aggregate classification (germline): Benign (1 of 4 stars; one submission).

Allele frequency attached by ClinVar (database versions not stated): gnomAD 0.07657 and 0.08051; TOPMed 0.09021; 1000 Genomes Project 0.09616; 1000 Genomes Project 30x 0.09636.
gnomAD v4.1: 8,486 of 111,694 alleles (7.6%); highest among the groups gnomAD compares: African/African-American, 24%; 712 homozygotes.

Submission:

GeneDx
Classification: Benign. Last evaluated: 2018-06-17. Review status: criteria provided, single submitter. Criteria: GeneDx Variant Classification (06012015). Collection method: clinical testing. Allele origin: germline. Affected: yes.
Comment: This variant is considered likely benign or benign based on one or more of the following criteria: it is a conservative change, it occurs at a poorly conserved position in the protein, it is predicted to be benign by multiple in silico algorithms, and/or has population frequency not consistent with disease.

NM_000047.3(ARSL):c.1290-271C>G

Gene: ARSL (arylsulfatase L; minus strand). Cytogenetic location: Xp22.33.
Variant type: single nucleotide variant.
Coding change: c.1290-271C>G on transcript NM_000047.3 (MANE Select); 271 bases into the intron before coding-DNA position 1290, C replaced by G.
Molecular consequence: intron variant.
Genome position (GRCh38, 1-based): chrX:2,937,134, G>C on the plus strand (C>G on the coding strand, the complement: ARSL is on the minus strand). VCF-style: chrX-2937134-G-C. GRCh37 (hg19) VCF-style: chrX-2855175-G-C.
Other names: c.1365-271C>G (NM_001282628.2, NM_001369080.1); c.1128-271C>G (NM_001282631.2); c.1317-271C>G (NM_001369079.1).
Identifiers: ClinVar variation 669801 (VCV000669801.1), dbSNP rs5982928, ClinGen allele CA326000494.